The following is an entry in ClinVar:

ClinVar aggregate classification (germline): Likely benign. Review status: criteria provided, multiple submitters, no conflicts (2 of 4 stars). 5 submissions from 4 submitters: Likely benign (5). Last evaluated 2024-03-30.

Conditions:
Aortic valve disease 1 (AOVD1). Identifiers: MedGen C3887892, MONDO:0024523, OMIM 109730.
Adams-Oliver syndrome 5 (AOS5). Identifiers: Orphanet 974, MedGen C4014970, MONDO:0014459, OMIM 616028.
Familial thoracic aortic aneurysm and aortic dissection (TAAD). Also called: Thoracic aortic aneurysms and dissections. Identifiers: Orphanet 91387, MedGen C4707243, MONDO:0019625.

Allele frequency attached by ClinVar (database versions not stated): gnomAD 0.00001; gnomAD exomes 0.00001; TOPMed 0.00001.
gnomAD v4.1: 12 of 1,611,594 alleles (0.00074%); highest among the groups gnomAD compares: African/African-American, 0.0027%; no homozygotes.

Submissions (5):

Labcorp Genetics (formerly Invitae), Labcorp
Classification: Likely benign for Adams-Oliver syndrome 5. Last evaluated: 2024-03-30. Review status: criteria provided, single submitter. Criteria: Invitae Variant Classification Sherloc (09022015). Collection method: clinical testing. Allele origin: germline.

Genome-Nilou Lab
Classification: Likely benign for Adams-Oliver syndrome 5. Last evaluated: 2022-03-15. Review status: criteria provided, single submitter. Criteria: ACMG Guidelines, 2015. Collection method: clinical testing. Allele origin: germline. Affected: no.

Genome-Nilou Lab
Classification: Likely benign for Aortic valve disease 1. Last evaluated: 2022-03-15. Review status: criteria provided, single submitter. Criteria: ACMG Guidelines, 2015. Collection method: clinical testing. Allele origin: germline. Affected: no.

Ambry Genetics
Classification: Likely benign for Familial thoracic aortic aneurysm and aortic dissection. Last evaluated: 2019-07-15. Review status: criteria provided, single submitter. Criteria: Ambry Variant Classification Scheme 2023. Collection method: clinical testing. Allele origin: germline.

GeneDx
Classification: Likely benign. Last evaluated: 2017-11-20. Review status: criteria provided, single submitter. Criteria: GeneDx Variant Classification (06012015). Collection method: clinical testing. Allele origin: germline. Affected: yes.
Comment: This variant is considered likely benign or benign based on one or more of the following criteria: it is a conservative change, it occurs at a poorly conserved position in the protein, it is predicted to be benign by multiple in silico algorithms, and/or has population frequency not consistent with disease.

NM_017617.5(NOTCH1):c.1581C>T (p.Tyr527=)

Gene: NOTCH1 (notch receptor 1; minus strand). Cytogenetic location: 9q34.3.
Variant type: single nucleotide variant.
Coding change: c.1581C>T on transcript NM_017617.5 (MANE Select); coding-DNA position 1581, C replaced by T.
Protein change: p.Tyr527=; no amino-acid change (tyrosine 527 retained).
Molecular consequence: synonymous variant.
Genome position (GRCh38, 1-based): chr9:136,516,069, G>A on the plus strand (C>T on the coding strand, the complement: NOTCH1 is on the minus strand). VCF-style: chr9-136516069-G-A. GRCh37 (hg19) VCF-style: chr9-139410521-G-A.
Other names: c.1581C>T, p.Tyr527= (LRG_1122t1).
Identifiers: ClinVar variation 513368 (VCV000513368.14), dbSNP rs1299929890, ClinGen allele CA467833794.